The following is an entry in ClinVar:

ClinVar aggregate classification (germline): Uncertain significance. Review status: criteria provided, multiple submitters, no conflicts (2 of 4 stars). 2 submissions from 2 submitters: Uncertain significance (2). Last evaluated 2025-08-06.

Conditions:
Inborn genetic diseases. Identifiers: MedGen C0950123, MeSH D030342.

Allele frequency attached by ClinVar (database versions not stated): gnomAD 0.00001 and 0.00005; gnomAD exomes 0.00002 and 0.00005; TOPMed 0.00003; ExAC 0.00009; 1000 Genomes Project 30x 0.00062; 1000 Genomes Project 0.00080.
gnomAD v4.1: 30 of 1,609,434 alleles (0.0019%); highest among the groups gnomAD compares: South Asian, 0.018%; no homozygotes.

Submissions (2):

Ambry Genetics
Classification: Uncertain significance for Inborn genetic diseases. Last evaluated: 2025-08-06. Review status: criteria provided, single submitter. Criteria: Ambry Variant Classification Scheme 2023. Collection method: clinical testing. Allele origin: germline.

Labcorp Genetics (formerly Invitae), Labcorp
Classification: Uncertain significance. Last evaluated: 2024-11-11. Review status: criteria provided, single submitter. Criteria: Invitae Variant Classification Sherloc (09022015). Collection method: clinical testing. Allele origin: germline.
Comment: This sequence change replaces alanine, which is neutral and non-polar, with valine, which is neutral and non-polar, at codon 4614 of the PCLO protein (p.Ala4614Val). This variant is present in population databases (rs555280857, gnomAD 0.03%). This variant has not been reported in the literature in individuals affected with PCLO-related conditions. ClinVar contains an entry for this variant (Variation ID: 1491793). Experimental studies and prediction algorithms are not available or were not evaluated, and the functional significance of this variant is currently unknown. In summary, the available evidence is currently insufficient to determine the role of this variant in disease. Therefore, it has been classified as a Variant of Uncertain Significance.

NM_033026.6(PCLO):c.13841C>T (p.Ala4614Val)

Gene: PCLO (piccolo presynaptic cytomatrix protein; minus strand). Cytogenetic location: 7q21.11.
Variant type: single nucleotide variant.
Coding change: c.13841C>T on transcript NM_033026.6 (MANE Select); coding-DNA position 13841, C replaced by T.
Protein change: p.Ala4614Val; replaces alanine 4614 with valine.
Molecular consequence: missense variant.
Genome position (GRCh38, 1-based): chr7:82,845,476, G>A on the plus strand (C>T on the coding strand, the complement: PCLO is on the minus strand). VCF-style: chr7-82845476-G-A. GRCh37 (hg19) VCF-style: chr7-82474792-G-A.
Other names: c.13841C>T, p.Ala4614Val (NM_014510.3); c.13841C>T (NM_033026.5); short protein forms A4614V.
Identifiers: ClinVar variation 1491793 (VCV001491793.7), dbSNP rs555280857, ClinGen allele CA4318999.